The following is an entry in ClinVar:

NM_000066.4(C8B):c.1106-2A>G

Gene: C8B (complement C8 beta chain; minus strand). Cytogenetic location: 1p32.2.
Variant type: single nucleotide variant.
Coding change: c.1106-2A>G on transcript NM_000066.4 (MANE Select); the canonical splice acceptor site of the intron before coding-DNA position 1106, A replaced by G.
Molecular consequence: splice acceptor variant.
Genome position (GRCh38, 1-based): chr1:56,943,826, T>C on the plus strand (A>G on the coding strand, the complement: C8B is on the minus strand). VCF-style: chr1-56943826-T-C. GRCh37 (hg19) VCF-style: chr1-57409499-T-C.
Other names: c.920-2A>G (NM_001278544.2); c.950-2A>G (NM_001278543.2).
Identifiers: ClinVar variation 3704350 (VCV003704350.2).
Genomic context (GRCh38, chr1:56,943,826, plus strand): 5'-GGCACCACCAATTTTAAAATCATTTTTGGCACAGGCATGGACGTTGTTAAGAGTATAATC[T>C]GAAGAAAACAAGGAAAAAGGTCCATGACGTAAAAGGTAGTTCACTCTGTCCCTTTTCCTA-3'

ClinVar aggregate classification (germline): Likely pathogenic (1 of 4 stars; one submission).

gnomAD v4.1: 6 of 1,613,838 alleles (0.00037%); highest among the groups gnomAD compares: Admixed American, 0.0017%; no homozygotes.

Submission:

Labcorp Genetics (formerly Invitae), Labcorp
Classification: Likely pathogenic. Last evaluated: 2024-06-24. Review status: criteria provided, single submitter. Criteria: Invitae Variant Classification Sherloc (09022015). Collection method: clinical testing. Allele origin: germline.
Comment: This sequence change affects an acceptor splice site in intron 7 of the C8B gene. It is expected to disrupt RNA splicing. Variants that disrupt the donor or acceptor splice site typically lead to a loss of protein function (PMID: 16199547), and loss-of-function variants in C8B are known to be pathogenic (PMID: 7594510). This variant is present in population databases (no rsID available, gnomAD 0.003%). Disruption of this splice site has been observed in individual(s) with clinical features of C8B-related condition (PMID: 26193622). Algorithms developed to predict the effect of sequence changes on RNA splicing suggest that this variant may disrupt the consensus splice site. In summary, the currently available evidence indicates that the variant is pathogenic, but additional data are needed to prove that conclusively. Therefore, this variant has been classified as Likely Pathogenic.

Literature cited by the submitters: PubMed 16199547; PubMed 7594510; PubMed 26193622.